The following is an entry in ClinVar:

NM_032578.4(MYPN):c.465C>G (p.Ala155=)

Gene: MYPN (myopalladin; plus strand). Cytogenetic location: 10q21.3.
Variant type: single nucleotide variant.
Coding change: c.465C>G on transcript NM_032578.4 (MANE Select); coding-DNA position 465, C replaced by G.
Protein change: p.Ala155=; no amino-acid change (alanine 155 retained).
Molecular consequence: synonymous variant. On other transcripts: 5 prime UTR variant (1), non-coding transcript variant (1).
Genome position (GRCh38, 1-based): chr10:68,121,903, C>G. VCF-style: chr10-68121903-C-G. GRCh37 (hg19) VCF-style: chr10-69881660-C-G.
Other names: p.Ala155=; c.465C>G, p.Ala155= (NM_001256267.2); c.-658C>G (NM_001256268.2).
Identifiers: ClinVar variation 31825 (VCV000031825.26), dbSNP rs142867001, ClinGen allele CA215356.

ClinVar aggregate classification (germline): Benign/Likely benign. Review status: criteria provided, multiple submitters, no conflicts (2 of 4 stars). 10 submissions from 10 submitters: Benign (2); Likely benign (6). 2 of the submissions do not count toward it. Last evaluated 2026-02-02.

Conditions:
MYPN-related disorder. Also called: MYPN-related condition.
Cardiovascular phenotype. Identifiers: MedGen CN230736.
Dilated cardiomyopathy 1KK (CMD1KK). Identifiers: Orphanet 154, Orphanet 75249, MedGen C3714995, MONDO:0014100, OMIM 615248.

Allele frequency attached by ClinVar (database versions not stated): 1000 Genomes Project 0.00040; 1000 Genomes Project 30x 0.00047; TOPMed 0.00085; ESP Exome Variant Server 0.00092; gnomAD 0.00099.
gnomAD v4.1: 249 of 1,614,152 alleles (0.015%); highest among the groups gnomAD compares: African/African-American, 0.3%; no homozygotes.

Submissions (10):

Labcorp Genetics (formerly Invitae), Labcorp
Classification: Benign for Dilated cardiomyopathy 1KK. Last evaluated: 2026-02-02. Review status: criteria provided, single submitter. Criteria: Invitae Variant Classification Sherloc (09022015). Collection method: clinical testing. Allele origin: germline.

Women's Health and Genetics/Laboratory Corporation of America, LabCorp
Classification: Likely benign. Last evaluated: 2025-12-11. Review status: criteria provided, single submitter. Criteria: LabCorp Variant Classification Summary - May 2015. Collection method: clinical testing. Allele origin: germline.

Mayo Clinic Laboratories, Mayo Clinic
Classification: Likely benign. Last evaluated: 2024-12-10. Review status: criteria provided, single submitter. Criteria: ACMG Guidelines, 2015. Collection method: clinical testing. Allele origin: germline. Observed: 2 variant alleles.
Comment: BS1, BP4, BP7

Blueprint Genetics
Classification: Likely benign. Last evaluated: 2023-11-13. Review status: criteria provided, single submitter. Criteria: ACMG Guidelines, 2015. Collection method: clinical testing. Allele origin: germline.

Laboratory for Molecular Medicine, Mass General Brigham Personalized Medicine
Classification: Likely benign. Last evaluated: 2017-06-28. Review status: criteria provided, single submitter. Criteria: LMM Criteria. Collection method: clinical testing. Allele origin: germline. Observed: 2 variant alleles.
Comment: p.Ala155Ala in exon 3 of MYPN: This variant is not expected to have clinical sig nificance because it does not alter an amino acid residue and is not located wit hin the splice consensus sequence. It has been identified in 0.3% (72/24018) of African chromosomes by the Genome Aggregation Database (gnomAD; dbSNP rs142867001).

Ambry Genetics
Classification: Likely benign for Cardiovascular phenotype. Last evaluated: 2016-05-31. Review status: criteria provided, single submitter. Criteria: Ambry Variant Classification Scheme 2023. Collection method: clinical testing. Allele origin: germline.

GeneDx
Classification: Benign. Last evaluated: 2015-03-03. Review status: criteria provided, single submitter. Criteria: GeneDx Variant Classification Process June 2021. Collection method: clinical testing. Allele origin: germline. Affected: yes.

Breakthrough Genomics
Classification: Likely benign. Review status: criteria provided, single submitter. Criteria: ACMG Guidelines, 2015. Collection method: not provided. Allele origin: germline. Inheritance: Autosomal recessive inheritance. Affected: yes.

PreventionGenetics, part of Exact Sciences
Classification: Likely benign for MYPN-related condition. Last evaluated: 2024-06-12. Review status: no assertion criteria provided. Collection method: clinical testing. Allele origin: germline. Not counted in ClinVar's aggregate classification.
Comment: This variant is classified as likely benign based on ACMG/AMP sequence variant interpretation guidelines (Richards et al. 2015 PMID: 25741868, with internal and published modifications).

Leiden Muscular Dystrophy (MYPN)
No classification provided. Last evaluated: 2012-04-27. Review status: no classification provided. Collection method: curation. Allele origin: germline. Not counted in ClinVar's aggregate classification.